The following is an entry in ClinVar:

NM_000179.3(MSH6):c.1715A>G (p.Gln572Arg)

Gene: MSH6 (mutS homolog 6; plus strand). Cytogenetic location: 2p16.3.
Variant type: single nucleotide variant.
Coding change: c.1715A>G on transcript NM_000179.3 (MANE Select); coding-DNA position 1715, A replaced by G.
Protein change: p.Gln572Arg; replaces glutamine 572 with arginine.
Molecular consequence: missense variant.
Genome position (GRCh38, 1-based): chr2:47,799,698, A>G. VCF-style: chr2-47799698-A-G. GRCh37 (hg19) VCF-style: chr2-48026837-A-G.
Other names: c.1325A>G, p.Gln442Arg (NM_001281492.2); c.809A>G, p.Gln270Arg (NM_001281493.2, NM_001281494.2, NM_001406811.1 and 6 more transcripts); c.1811A>G, p.Gln604Arg (NM_001406795.1, NM_001406802.1); c.1715A>G, p.Gln572Arg (NM_001406796.1, NM_001406798.1, NM_001406800.1 and 3 more transcripts); c.1418A>G, p.Gln473Arg (NM_001406797.1, NM_001406801.1, NM_001406805.1 and 10 more transcripts); c.1190A>G, p.Gln397Arg (NM_001406799.1, NM_001406806.1, NM_001406807.1); c.1637A>G, p.Gln546Arg (NM_001406804.1); c.1721A>G, p.Gln574Arg (NM_001406813.1); and 1 more; short protein forms Q397R, Q574R, Q270R, Q442R, Q473R, Q516R, Q604R, Q546R.
Identifiers: ClinVar variation 1778619 (VCV001778619.2), dbSNP rs2104362859, ClinGen allele CA346748606.

ClinVar aggregate classification (germline): Uncertain significance (1 of 4 stars; one submission).

Conditions:
Hereditary cancer-predisposing syndrome. Also called: Neoplastic Syndromes, Hereditary; Tumor predisposition; Hereditary Cancer Syndrome; Hereditary neoplastic syndrome. Identifiers: Orphanet 140162, MedGen C0027672, MeSH D009386, MONDO:0015356.

Submission:

Ambry Genetics
Classification: Uncertain significance for Hereditary cancer-predisposing syndrome. Last evaluated: 2022-08-04. Review status: criteria provided, single submitter. Criteria: Ambry Variant Classification Scheme 2023. Collection method: clinical testing. Allele origin: germline.
Comment: The p.Q572R variant (also known as c.1715A>G), located in coding exon 4 of the MSH6 gene, results from an A to G substitution at nucleotide position 1715. The glutamine at codon 572 is replaced by arginine, an amino acid with highly similar properties. This amino acid position is highly conserved in available vertebrate species. In addition, this alteration is predicted to be deleterious by in silico analysis. Since supporting evidence is limited at this time, the clinical significance of this alteration remains unclear.